The following is an entry in ClinVar:

NM_018847.4(KLHL9):c.703A>G (p.Lys235Glu)

Gene: KLHL9 (kelch like family member 9; minus strand). Cytogenetic location: 9p21.3.
Variant type: single nucleotide variant.
Coding change: c.703A>G on transcript NM_018847.4 (MANE Select); coding-DNA position 703, A replaced by G.
Protein change: p.Lys235Glu; replaces lysine 235 with glutamic acid.
Molecular consequence: missense variant.
Genome position (GRCh38, 1-based): chr9:21,334,157, T>C on the plus strand (A>G on the coding strand, the complement: KLHL9 is on the minus strand). VCF-style: chr9-21334157-T-C. GRCh37 (hg19) VCF-style: chr9-21334156-T-C.
Other names: short protein forms K235E.
Identifiers: ClinVar variation 1519623 (VCV001519623.8), dbSNP rs762476231, ClinGen allele CA5010612.

ClinVar aggregate classification (germline): Uncertain significance (1 of 4 stars; one submission).

Allele frequency attached by ClinVar (database versions not stated): gnomAD exomes 0.00002; ExAC 0.00004.
gnomAD v4.1: 57 of 1,614,124 alleles (0.0035%); highest among the groups gnomAD compares: South Asian, 0.0044%; no homozygotes.

Submission:

Labcorp Genetics (formerly Invitae), Labcorp
Classification: Uncertain significance. Last evaluated: 2024-11-28. Review status: criteria provided, single submitter. Criteria: Invitae Variant Classification Sherloc (09022015). Collection method: clinical testing. Allele origin: germline.
Comment: This sequence change replaces lysine, which is basic and polar, with glutamic acid, which is acidic and polar, at codon 235 of the KLHL9 protein (p.Lys235Glu). This variant is present in population databases (rs762476231, gnomAD 0.01%). This variant has not been reported in the literature in individuals affected with KLHL9-related conditions. ClinVar contains an entry for this variant (Variation ID: 1519623). Invitae Evidence Modeling of protein sequence and biophysical properties (such as structural, functional, and spatial information, amino acid conservation, physicochemical variation, residue mobility, and thermodynamic stability) indicates that this missense variant is not expected to disrupt KLHL9 protein function with a negative predictive value of 80%. In summary, the available evidence is currently insufficient to determine the role of this variant in disease. Therefore, it has been classified as a Variant of Uncertain Significance.